The following is an entry in ClinVar:

NM_002520.7(NPM1):c.39G>A (p.Arg13=)

Gene: NPM1 (nucleophosmin 1; plus strand). Cytogenetic location: 5q35.1.
Variant type: single nucleotide variant.
Coding change: c.39G>A on transcript NM_002520.7 (MANE Select); coding-DNA position 39, G replaced by A.
Protein change: p.Arg13=; no amino-acid change (arginine 13 retained).
Molecular consequence: synonymous variant. On other transcripts: 5 prime UTR variant (1), non-coding transcript variant (1).
Genome position (GRCh38, 1-based): chr5:171,387,987, G>A. VCF-style: chr5-171387987-G-A. GRCh37 (hg19) VCF-style: chr5-170814991-G-A.
Other names: c.39G>A, p.Arg13= (NM_001037738.3, NM_001355006.2, NM_001355009.2 and 2 more transcripts); c.-74G>A (NM_001355007.2).
Identifiers: ClinVar variation 3033346 (VCV003033346.2), dbSNP rs142254256, ClinGen allele CA3558440.

ClinVar aggregate classification (germline): Likely benign (0 of 4 stars; one submission).

Conditions:
NPM1-related disorder. Also called: NPM1-related condition.

Allele frequency attached by ClinVar (database versions not stated): 1000 Genomes Project 30x 0.00016; 1000 Genomes Project 0.00020; ExAC 0.00046; TOPMed 0.00055; gnomAD 0.00067; ESP Exome Variant Server 0.00085; gnomAD exomes 0.00108.
gnomAD v4.1: 1,525 of 1,489,632 alleles (0.1%); highest among the groups gnomAD compares: Non-Finnish European, 0.13%; 1 homozygote.

Submission:

PreventionGenetics, part of Exact Sciences
Classification: Likely benign for NPM1-related condition. Last evaluated: 2019-06-10. Review status: no assertion criteria provided. Collection method: clinical testing. Allele origin: germline.
Comment: This variant is classified as likely benign based on ACMG/AMP sequence variant interpretation guidelines (Richards et al. 2015 PMID: 25741868, with internal and published modifications).